The following is an entry in ClinVar:

NM_000548.5(TSC2):c.226-74G>A

Gene: TSC2 (TSC complex subunit 2; plus strand). Cytogenetic location: 16p13.3.
Variant type: single nucleotide variant.
Coding change: c.226-74G>A on transcript NM_000548.5 (MANE Select); 74 bases into the intron before coding-DNA position 226, G replaced by A.
Molecular consequence: intron variant.
Genome position (GRCh38, 1-based): chr16:2,053,268, G>A. VCF-style: chr16-2053268-G-A. GRCh37 (hg19) VCF-style: chr16-2103269-G-A.
Other names: c.-1512-74G>A (NM_001406693.1); c.226-74G>A (NM_001406667.1, NM_001406668.1, NM_001114382.3 and 10 more transcripts); c.-591-74G>A (NM_001406680.1, NM_001406683.1, NM_001406687.1); c.-1206-74G>A (NM_001406689.1, NM_001406690.1, NM_001406692.1 and 2 more transcripts); c.-1382-74G>A (NM_001406698.1); c.-1087-74G>A (NM_001406694.1, NM_001406695.1); c.-1194-74G>A (NM_001406696.1); c.-220-74G>A (NM_001406681.1); and 4 more.
Identifiers: ClinVar variation 2626410 (VCV002626410.3), dbSNP rs2548394738, ClinGen allele CA2560511870.

ClinVar aggregate classification (germline): Uncertain significance (1 of 4 stars; one submission).

Conditions:
Hereditary cancer-predisposing syndrome. Also called: Tumor predisposition; Hereditary Cancer Syndrome; Hereditary neoplastic syndrome; Neoplastic Syndromes, Hereditary. Identifiers: Orphanet 140162, MedGen C0027672, MeSH D009386, MONDO:0015356.

Allele frequency attached by ClinVar (database versions not stated): gnomAD exomes below 0.00001.
gnomAD v4.1: 3 of 1,454,630 alleles (0.00021%); highest among the groups gnomAD compares: African/African-American, 0.0014%; no homozygotes.

Submission:

Ambry Genetics
Classification: Uncertain significance for Hereditary cancer-predisposing syndrome. Last evaluated: 2025-07-07. Review status: criteria provided, single submitter. Criteria: Ambry Variant Classification Scheme 2023. Collection method: clinical testing. Allele origin: germline.
Comment: The c.226-74G>A intronic variant results from a G to A substitution 74 nucleotides upstream from coding exon 3 in the TSC2 gene. This nucleotide position is highly conserved in available vertebrate species. In silico splice site analysis predicts that this alteration will result in the creation or strengthening of a novel splice acceptor site. RNA studies have demonstrated that this alteration results in a splice defect; the clinical impact of this abnormal splicing is unknown at this time (Ambry internal data). Based on the available evidence, the clinical significance of this variant remains unclear.